The following is an entry in ClinVar:

NM_015331.3(NCSTN):c.1715C>T (p.Ala572Val)

Gene: NCSTN (nicastrin; plus strand). Cytogenetic location: 1q23.2.
Variant type: single nucleotide variant.
Coding change: c.1715C>T on transcript NM_015331.3 (MANE Select); coding-DNA position 1715, C replaced by T.
Protein change: p.Ala572Val; replaces alanine 572 with valine.
Molecular consequence: missense variant.
Genome position (GRCh38, 1-based): chr1:160,356,675, C>T. VCF-style: chr1-160356675-C-T. GRCh37 (hg19) VCF-style: chr1-160326465-C-T.
Other names: c.1655C>T, p.Ala552Val (NM_001290184.2); c.1301C>T, p.Ala434Val (NM_001290186.2); c.1715C>T, p.Ala572Val (NM_001349729.2); short protein forms A572V, A434V, A552V.
Identifiers: ClinVar variation 2778978 (VCV002778978.3), dbSNP rs1649144543, ClinGen allele CA343282929.

ClinVar aggregate classification (germline): Uncertain significance (1 of 4 stars; one submission).

Allele frequency attached by ClinVar (database versions not stated): TOPMed below 0.00001.

Submission:

Labcorp Genetics (formerly Invitae), Labcorp
Classification: Uncertain significance. Last evaluated: 2023-07-17. Review status: criteria provided, single submitter. Criteria: Invitae Variant Classification Sherloc (09022015). Collection method: clinical testing. Allele origin: germline.
Comment: In summary, the available evidence is currently insufficient to determine the role of this variant in disease. Therefore, it has been classified as a Variant of Uncertain Significance. Advanced modeling of protein sequence and biophysical properties (such as structural, functional, and spatial information, amino acid conservation, physicochemical variation, residue mobility, and thermodynamic stability) performed at Invitae indicates that this missense variant is not expected to disrupt NCSTN protein function. This variant has not been reported in the literature in individuals affected with NCSTN-related conditions. This variant is not present in population databases (gnomAD no frequency). This sequence change replaces alanine, which is neutral and non-polar, with valine, which is neutral and non-polar, at codon 572 of the NCSTN protein (p.Ala572Val).